The following is an entry in ClinVar:

NM_006172.4(NPPA):c.272A>G (p.Gln91Arg)

Genes: NPPA-AS1 (NPPA antisense RNA 1; plus strand), NPPA (natriuretic peptide A; minus strand), LOC114827827 (VISTA enhancer hs2123; plus strand). Cytogenetic location: 1p36.22.
Variant type: single nucleotide variant.
Coding change: c.272A>G on transcript NM_006172.4 (MANE Select); coding-DNA position 272, A replaced by G.
Protein change: p.Gln91Arg; replaces glutamine 91 with arginine.
Molecular consequence: missense variant.
Genome position (GRCh38, 1-based): chr1:11,847,291, T>C on the plus strand (A>G on the coding strand, the complement: NPPA is on the minus strand). VCF-style: chr1-11847291-T-C. GRCh37 (hg19) VCF-style: chr1-11907348-T-C.
Other names: c.272A>G (LRG_751t1); short protein forms Q91R.
Identifiers: ClinVar variation 469607 (VCV000469607.13), dbSNP rs201879717, ClinGen allele CA597043.

ClinVar aggregate classification (germline): Benign/Likely benign. Review status: criteria provided, multiple submitters, no conflicts (2 of 4 stars). 2 submissions from 2 submitters: Benign (1); Likely benign (1). Last evaluated 2026-01-16.

Conditions:
Atrial fibrillation, familial, 6 (ATFB6). Identifiers: MedGen C2677294, MONDO:0012816, OMIM 612201.

Allele frequency attached by ClinVar (database versions not stated): gnomAD exomes 0.00003 and 0.00017; gnomAD 0.00005 and 0.00007; TOPMed 0.00007; ExAC 0.00017; 1000 Genomes Project 30x 0.00047; 1000 Genomes Project 0.00060.

Submissions (2):

Labcorp Genetics (formerly Invitae), Labcorp
Classification: Likely benign for Atrial fibrillation, familial, 6. Last evaluated: 2026-01-16. Review status: criteria provided, single submitter. Criteria: Invitae Variant Classification Sherloc (09022015). Collection method: clinical testing. Allele origin: germline.

Women's Health and Genetics/Laboratory Corporation of America, LabCorp
Classification: Benign. Last evaluated: 2019-08-12. Review status: criteria provided, single submitter. Criteria: LabCorp Variant Classification Summary - May 2015. Collection method: clinical testing. Allele origin: germline.
Comment: Variant summary: NPPA c.272A>G (p.Gln91Arg) results in a conservative amino acid change in the encoded protein sequence. Five of five in-silico tools predict a benign effect of the variant on protein function. The variant allele was found at a frequency of 0.00017 in 249000 control chromosomes, predominantly at a frequency of 0.0021 within the East Asian subpopulation in the gnomAD database. The observed variant frequency within East Asian control individuals in the gnomAD database is approximately 210-folds higher than the estimated maximal expected allele frequency for a pathogenic variant in NPPA causing Arrhythmia phenotype (1e-05), strongly suggesting that the variant is a benign polymorphism found primarily in populations of East Asian origin. c.272A>G has been reported in the literature in individual affected with Arrhythmia, although authors believe the variant to be a polymorphism (Ren_2011). To our knowledge, no experimental evidence demonstrating an impact on protein function has been reported. One clinical diagnostic laboratory has submitted clinical-significance assessments for this variant to ClinVar after 2014 without evidence for independent evaluation. A ClinVar submission (evaluation after 2014) cites the variant as uncertain significance. Based on the evidence outlined above, the variant was classified as benign.

Literature cited by the submitters: PubMed 20064500 (cited by Women's Health and Genetics/Laboratory Corporation of America, LabCorp).